The following is an entry in ClinVar:

NM_001277115.2(DNAH11):c.6664C>T (p.Arg2222Ter)

Gene: DNAH11 (dynein axonemal heavy chain 11; plus strand). Cytogenetic location: 7p15.3.
Variant type: single nucleotide variant.
Coding change: c.6664C>T on transcript NM_001277115.2 (MANE Select); coding-DNA position 6664, C replaced by T.
Protein change: p.Arg2222Ter; replaces arginine 2222 with a stop codon.
Molecular consequence: nonsense.
Genome position (GRCh38, 1-based): chr7:21,707,816, C>T. VCF-style: chr7-21707816-C-T. GRCh37 (hg19) VCF-style: chr7-21747434-C-T.
Other names: NM_001277115.2(DNAH11):c.6664C>T; p.Arg2222Ter; short protein forms R2222*.
Identifiers: ClinVar variation 359645 (VCV000359645.21), dbSNP rs773498002, ClinGen allele CA4180923.

ClinVar aggregate classification (germline): Pathogenic/Likely pathogenic. Review status: criteria provided, multiple submitters, no conflicts (2 of 4 stars). 4 submissions from 4 submitters: Pathogenic (1); Likely pathogenic (3). Last evaluated 2025-08-31.

Conditions:
Primary ciliary dyskinesia. Also called: Ciliary dyskinesia. Identifiers: Orphanet 244, MedGen C0008780, MONDO:0016575, HP:0012265.
Primary ciliary dyskinesia 7. Also called: CILIARY DYSKINESIA, PRIMARY, 7, WITH OR WITHOUT SITUS INVERSUS. Identifiers: Orphanet 244, MedGen C2678473, MONDO:0012748, OMIM 611884.
DNAH11-related disorders.

Allele frequency attached by ClinVar (database versions not stated): TOPMed 0.00003.
gnomAD v4.1: 29 of 1,597,698 alleles (0.0018%); highest among the groups gnomAD compares: Non-Finnish European, 0.0022%; no homozygotes.

Submissions (4):

Labcorp Genetics (formerly Invitae), Labcorp
Classification: Pathogenic for Primary ciliary dyskinesia. Last evaluated: 2025-08-31. Review status: criteria provided, single submitter. Criteria: Invitae Variant Classification Sherloc (09022015). Collection method: clinical testing. Allele origin: germline.
Comment: This sequence change creates a premature translational stop signal (p.Arg2222*) in the DNAH11 gene. It is expected to result in an absent or disrupted protein product. Loss-of-function variants in DNAH11 are known to be pathogenic (PMID: 18022865, 20513915, 22184204). This variant is present in population databases (rs773498002, gnomAD 0.004%). This premature translational stop signal has been observed in individual(s) with primary ciliary dyskinesia (PMID: 31879361). ClinVar contains an entry for this variant (Variation ID: 359645). For these reasons, this variant has been classified as Pathogenic.

Broad Center for Mendelian Genomics, Broad Institute of MIT and Harvard
Classification: Likely pathogenic for Primary ciliary dyskinesia 7. Last evaluated: 2025-02-14. Review status: criteria provided, single submitter. Criteria: ACMG Guidelines, 2015. Collection method: curation. Allele origin: germline. Inheritance: Autosomal recessive inheritance.
Comment: The p.Arg2222Ter variant in DNAH11 has been reported in 1 individual with primary ciliary dyskinesia (PMID: 31879361), and has been identified in 0.002% (26/1173374) of European (non-Finnish) chromosomes by the Genome Aggregation Database (gnomAD; dbSNP rs773498002). Although this variant has been seen in the general population in a heterozygous state, its frequency is low enough to be consistent with a recessive carrier frequency. This variant has also been reported in ClinVar (Variation ID: 359645) and has been interpreted as a variant of uncertain significance by Illumina, and pathogenic/likely pathogenic by Invitae and PerkinElmer Genomics. This nonsense variant leads to a premature termination codon at position 2222, which is predicted to lead to a truncated or absent protein. Loss of function of the DNAH11 gene is an established disease mechanism in autosomal recessive primary ciliary dyskinesia. In summary, although additional studies are required to fully establish its clinical significance, this variant is likely pathogenic for autosomal recessive primary ciliary dyskinesia. ACMG/AMP Criteria applied: PVS1, PM2_supporting (Richards 2015).

Revvity Omics, Revvity
Classification: Likely pathogenic for Primary ciliary dyskinesia 7. Last evaluated: 2021-09-22. Review status: criteria provided, single submitter. Criteria: ACMG Guidelines, 2015. Collection method: clinical testing. Allele origin: germline.

Blueprint Genetics
Classification: Likely pathogenic for DNAH11-related disorders. Last evaluated: 2020-12-17. Review status: criteria provided, single submitter. Criteria: ACMG Guidelines, 2015. Collection method: clinical testing. Allele origin: germline. Affected: yes. Observed: 2 variant alleles.

Literature cited by the submitters: PubMed 18022865 (cited by Labcorp Genetics (formerly Invitae), Labcorp); PubMed 20513915 (cited by Labcorp Genetics (formerly Invitae), Labcorp); PubMed 22184204 (cited by Labcorp Genetics (formerly Invitae), Labcorp); PubMed 31879361 (cited by Labcorp Genetics (formerly Invitae), Labcorp).